The following is an entry in ClinVar:

ClinVar aggregate classification (germline): Pathogenic (1 of 4 stars; one submission).

Conditions:
Hypohidrotic X-linked ectodermal dysplasia (XHED). Also called: ECTODERMAL DYSPLASIA, HYPOHIDROTIC, 1; CST SYNDROME; Ectodermal Dysplasia 1, Anhidrotic; Anhidrotic ectodermal dysplasia X-linked; Christ Siemens Touraine syndrome; ECTODERMAL DYSPLASIA 1, HYPOHIDROTIC, X-LINKED. Identifiers: Orphanet 181, Orphanet 238468, MedGen C0162359, MONDO:0010585, OMIM 305100.

Submission:

Labcorp Genetics (formerly Invitae), Labcorp
Classification: Pathogenic for Hypohidrotic X-linked ectodermal dysplasia. Last evaluated: 2022-02-05. Review status: criteria provided, single submitter. Criteria: Invitae Variant Classification Sherloc (09022015). Collection method: clinical testing. Allele origin: germline.
Comment: For these reasons, this variant has been classified as Pathogenic. This variant disrupts a region of the EDA protein in which other variant(s) (p.Gln331*) have been determined to be pathogenic (Invitae). This suggests that this is a clinically significant region of the protein, and that variants that disrupt it are likely to be disease-causing. Variants that disrupt the consensus splice site are a relatively common cause of aberrant splicing (PMID: 17576681, 9536098). Algorithms developed to predict the effect of sequence changes on RNA splicing suggest that this variant may disrupt the consensus splice site. Disruption of this splice site has been observed in individual(s) with ectodermal dysplasia (PMID: 24724966; Invitae). This variant is not present in population databases (gnomAD no frequency). This sequence change affects a donor splice site in intron 7 of the EDA gene. While this variant is not anticipated to result in nonsense mediated decay, it likely alters RNA splicing and results in a disrupted protein product.

Literature cited by the submitters: PubMed 17576681; PubMed 9536098; PubMed 24724966.

NM_001399.5(EDA):c.924+1G>A

Gene: EDA (ectodysplasin A; plus strand). Cytogenetic location: Xq13.1.
Variant type: single nucleotide variant.
Coding change: c.924+1G>A on transcript NM_001399.5 (MANE Select); the canonical splice donor site of the intron after coding-DNA position 924, G replaced by A.
Molecular consequence: splice donor variant. On other transcripts: intron variant (2).
Genome position (GRCh38, 1-based): chrX:70,033,529, G>A. VCF-style: chrX-70033529-G-A. GRCh37 (hg19) VCF-style: chrX-69253379-G-A.
Other names: c.918+7G>A (NM_001005609.2); c.909+7G>A (NM_001005612.3).
Identifiers: ClinVar variation 1411074 (VCV001411074.6), dbSNP rs2147516572, ClinGen allele CA413449079.